The following is an entry in ClinVar:

NM_001283009.2(RTEL1):c.1675TTC[1] (p.Phe560del)

Genes: RTEL1 (regulator of telomere elongation helicase 1; plus strand), RTEL1-TNFRSF6B (RTEL1-TNFRSF6B readthrough (NMD candidate); plus strand). Cytogenetic location: 20q13.33.
Variant type: Microsatellite.
Coding change: c.1675TTC[1] on transcript NM_001283009.2 (MANE Select); one copy of the 3-base unit TTC starting at c.1675; the reference has two copies in a row; one copy, 3 bases deleted; also written c.1678_1680del.
Protein change: p.Phe560del; deletes phenylalanine 560.
Molecular consequence: inframe deletion. On other transcripts: non-coding transcript variant (1).
Genome position (GRCh38, 1-based): chr20:63,688,342-63,688,344, TTC deleted; deleting any 3 consecutive bases within chr20:63,688,337-63,688,344 gives the same sequence; the position shown is the placement nearest the transcript's 3' end. VCF-style (leftmost placement, unchanged base first): chr20-63688336-ATCT-A. GRCh37 (hg19) VCF-style: chr20-62319689-ATCT-A.
Other names: c.1678_1680del (NM_001283009.1); c.1006TTC[1], p.Phe337del (NM_001283010.1); c.1675TTC[1], p.Phe560del (NM_016434.4); c.1747TTC[1], p.Phe584del (NM_032957.5); c.1750_1752delTTC (NM_032957.4); c.1750_1752del (NM_032957.4); short protein forms F560del, F584del, F337del.
Identifiers: ClinVar variation 557784 (VCV000557784.7), dbSNP rs779176651, ClinGen allele CA9964918.
Genomic context (GRCh38, chr20:63,688,336, plus strand): 5'-TTGACCCCGGCCCCTGCACTTCCAGGCAACATCGCCCGCGTGGTGCCCTATGGGCTCCTG[ATCT>A]TCTTCCCTTCCTATCCTGTCATGGAGAAGAGCCTGGAGTTCTGGCGGGTGCGTCTCCCCT-3'

ClinVar aggregate classification (germline): Uncertain significance. Review status: criteria provided, multiple submitters, no conflicts (2 of 4 stars). 6 submissions from 6 submitters: Uncertain significance (5). 1 of the submissions does not count toward it. Last evaluated 2025-02-19.

Conditions:
Dyskeratosis congenita, autosomal recessive 5 (DKCB5). Identifiers: MedGen C3554656, MONDO:0014076, OMIM 615190.
Pulmonary fibrosis and/or bone marrow failure, Telomere-related, 3. Also called: PULMONARY FIBROSIS AND/OR BONE MARROW FAILURE SYNDROME, TELOMERE-RELATED, 3. Identifiers: Orphanet 2032, MedGen C4225346, MONDO:0014613, OMIM 616373.
RTEL1-related disorder. Also called: RTEL1-related disorders; RTEL1-related condition.

Submissions (6):

Labcorp Genetics (formerly Invitae), Labcorp
Classification: Uncertain significance for Dyskeratosis congenita, autosomal recessive 5; Pulmonary fibrosis and/or bone marrow failure, Telomere-related, 3. Last evaluated: 2025-02-19. Review status: criteria provided, single submitter. Criteria: Invitae Variant Classification Sherloc (09022015). Collection method: clinical testing. Allele origin: germline.
Comment: This variant, c.1678_1680del, results in the deletion of 1 amino acid(s) of the RTEL1 protein (p.Phe560del), but otherwise preserves the integrity of the reading frame. This variant is present in population databases (rs779176651, gnomAD 0.003%). This variant has not been reported in the literature in individuals affected with RTEL1-related conditions. ClinVar contains an entry for this variant (Variation ID: 557784). Experimental studies and prediction algorithms are not available or were not evaluated, and the functional significance of this variant is currently unknown. In summary, the available evidence is currently insufficient to determine the role of this variant in disease. Therefore, it has been classified as a Variant of Uncertain Significance.

GeneDx
Classification: Uncertain significance. Last evaluated: 2023-12-10. Review status: criteria provided, single submitter. Criteria: GeneDx Variant Classification Process June 2021. Collection method: clinical testing. Allele origin: germline. Affected: yes.
Comment: Not observed at significant frequency in large population cohorts (gnomAD); In-frame deletion of one amino acid in a non-repeat region; In silico analysis supports a deleterious effect on protein structure/function; Has not been previously published as pathogenic or benign to our knowledge

Blueprint Genetics
Classification: Uncertain significance. Last evaluated: 2023-07-27. Review status: criteria provided, single submitter. Criteria: ACMG Guidelines, 2015. Collection method: clinical testing. Allele origin: germline.

PreventionGenetics, part of Exact Sciences
Classification: Uncertain significance for RTEL1-related condition. Last evaluated: 2023-06-17. Review status: criteria provided, single submitter. Criteria: ACMG Guidelines, 2015. Collection method: clinical testing. Allele origin: germline.
Comment: The RTEL1 c.1750_1752delTTC variant is predicted to result in an in-frame deletion (p.Phe584del). To our knowledge, this variant has not been reported in the literature. This variant is reported in 0.0033% of alleles in individuals of South Asian descent in gnomAD. At this time, the clinical significance of this variant is uncertain due to the absence of conclusive functional and genetic evidence.

Johns Hopkins Genomics, Johns Hopkins University
Classification: Uncertain significance for Pulmonary fibrosis and/or bone marrow failure, Telomere-related, 3. Last evaluated: 2021-02-11. Review status: criteria provided, single submitter. Criteria: ACMG Guidelines, 2015. Collection method: clinical testing. Allele origin: germline.
Comment: This RTEL1 single amino acid deletion (rs779176651) is rare (<0.1%) in a large population dataset (gnomAD: 2/249620 total alleles; 0.0008%; no homozygotes). This variant has been reported in ClinVar. A single bioinformatics tool predicts that this deletion would be damaging and the phenylalanine at this postion is conserved across most species assessed. We consider the clinical significance of c.1678_1680del to be uncertain at this time.

Counsyl
Classification: Uncertain significance for Dyskeratosis congenita, autosomal recessive 5. Last evaluated: 2018-04-11. Review status: no assertion criteria provided. Collection method: clinical testing. Allele origin: unknown. Not counted in ClinVar's aggregate classification.